The following is an entry in ClinVar:

NM_000512.5(GALNS):c.1567T>G (p.Ter523Glu)

Gene: GALNS (galactosamine (N-acetyl)-6-sulfatase; minus strand). Cytogenetic location: 16q24.3.
Variant type: single nucleotide variant.
Coding change: c.1567T>G on transcript NM_000512.5 (MANE Select); coding-DNA position 1567, T replaced by G.
Protein change: p.Ter523Glu.
Molecular consequence: stop lost.
Genome position (GRCh38, 1-based): chr16:88,814,441, A>C on the plus strand (T>G on the coding strand, the complement: GALNS is on the minus strand). VCF-style: chr16-88814441-A-C. GRCh37 (hg19) VCF-style: chr16-88880849-A-C.
Other names: c.1012T>G, p.Ter338Glu (NM_001323543.2); c.1585T>G, p.Ter529Glu (NM_001323544.2).
Identifiers: ClinVar variation 1048361 (VCV001048361.6), dbSNP rs1348149236, ClinGen allele CA397092411.
Genomic context (GRCh38, chr16:88,814,441, plus strand): 5'-TCCAGGCACTTGCAGGGCCAACCGGAGATTCTAGGCCTGGCCTGAGTCTGCGCAGGTGCT[A>C]GTGGGACCAGAGGCACTTCTTGGGAATGGATTCTGGAGGTGTCAGACACTTCCCTAACTT-3'

ClinVar aggregate classification (germline): Pathogenic/Likely pathogenic. Review status: criteria provided, multiple submitters, no conflicts (2 of 4 stars). 2 submissions from 2 submitters: Pathogenic (1); Likely pathogenic (1). Last evaluated 2026-01-07.

Conditions:
Mucopolysaccharidosis, MPS-IV-A (MPS4A). Also called: Mucopolysaccharidosis type IV A; Mucopolysaccharidosis Type IVA; Morquio syndrome A, mild; MORQUIO SYNDROME A; MPS IVA; mucopolysaccharidosis type 4A. Identifiers: Orphanet 309297, Orphanet 582, MedGen C0086651, MONDO:0009659, OMIM 253000.

Allele frequency attached by ClinVar (database versions not stated): TOPMed below 0.00001.
gnomAD v4.1: 1 of 1,558,840 alleles (0.000064%); no homozygotes.

Submissions (2):

Labcorp Genetics (formerly Invitae), Labcorp
Classification: Pathogenic for Mucopolysaccharidosis, MPS-IV-A. Last evaluated: 2026-01-07. Review status: criteria provided, single submitter. Criteria: Invitae Variant Classification Sherloc (09022015). Collection method: clinical testing. Allele origin: germline.
Comment: This sequence change disrupts the translational stop signal of the GALNS mRNA. It is expected to extend the length of the GALNS protein by 92 additional amino acid residues. This variant is not present in population databases (gnomAD no frequency). This protein extension has been observed in individual(s) with mucopolysaccharidosis IVA (PMID: 30458289, 32014045, 33407246). ClinVar contains an entry for this variant (Variation ID: 1048361). For these reasons, this variant has been classified as Pathogenic.

Laboratory of Diagnosis and Therapy of Lysosomal Disorders, University of Padova
Classification: Likely pathogenic for Mucopolysaccharidosis, MPS-IV-A. Last evaluated: 2021-02-01. Review status: criteria provided, single submitter. Criteria: ACMG Guidelines, 2015. Collection method: research. Allele origin: germline. Affected: yes.
Comment: In vivo functional studies supportive of a damaging effect on the gene product (low to null enzymatic activity in homozygotes; PS3_supporting); the prevalence of the variant in affected individuals is significantly increased compared with the prevalence in controls (PS4_moderate); very low frequency in gnomAD v2.1.1 (PM2_moderate); protein length changes as a result of loss variant in a nonrepeat region (PM4_moderate)

Literature cited by the submitters: PubMed 30458289 (cited by Labcorp Genetics (formerly Invitae), Labcorp and Laboratory of Diagnosis and Therapy of Lysosomal Disorders, University of Padova); PubMed 32014045 (cited by Labcorp Genetics (formerly Invitae), Labcorp and Laboratory of Diagnosis and Therapy of Lysosomal Disorders, University of Padova); PubMed 33407246 (cited by Labcorp Genetics (formerly Invitae), Labcorp); PubMed 21644215 (cited by Laboratory of Diagnosis and Therapy of Lysosomal Disorders, University of Padova); PubMed 23876334 (cited by Laboratory of Diagnosis and Therapy of Lysosomal Disorders, University of Padova); PubMed 24035930 (cited by Laboratory of Diagnosis and Therapy of Lysosomal Disorders, University of Padova); PubMed 34387910 (cited by Laboratory of Diagnosis and Therapy of Lysosomal Disorders, University of Padova).